The following is an entry in ClinVar:

NM_000535.7(PMS2):c.1882_1886dup (p.Lys630fs)

Gene: PMS2 (PMS1 homolog 2, mismatch repair system component; minus strand). Cytogenetic location: 7p22.1.
Variant type: Duplication.
Coding change: c.1882_1886dup on transcript NM_000535.7 (MANE Select); coding-DNA positions 1882 to 1886, 5 bases duplicated (CGAAT; older notation c.1882_1886dupCGAAT).
Protein change: p.Lys630fs; shifts the reading frame from lysine 630.
Molecular consequence: frameshift variant. On other transcripts: non-coding transcript variant (1), intron variant (1).
Genome position (GRCh38, 1-based): chr7:5,986,879-5,986,883, ATTCG duplicated on the plus strand (CGAAT on the coding strand, the reverse complement: PMS2 is on the minus strand). VCF-style (leftmost placement, unchanged base first): chr7-5986878-T-TATTCG. GRCh37 (hg19) VCF-style: chr7-6026509-T-TATTCG.
Other names: c.1882_1886dup (NM_000535.6); c.1477_1481dup, p.Lys495fs (NM_001322003.2, NM_001322004.2, NM_001322005.2 and 16 more transcripts); c.1726_1730dup, p.Lys578fs (NM_001322006.2, NM_001406870.1); c.1564_1568dup, p.Lys524fs (NM_001322007.2, NM_001322008.2, NM_001406876.1 and 2 more transcripts); c.1321_1325dup, p.Lys443fs (NM_001322010.2, NM_001406906.1, NM_001406907.1); c.949_953dup, p.Lys319fs (NM_001322011.2, NM_001322012.2); c.1309_1313dup, p.Lys439fs (NM_001322013.2, NM_001406909.1); c.1882_1886dup, p.Lys630fs (NM_001322014.2, NM_001406871.1, NM_001406872.1); and 14 more; short protein forms K319fs, K373fs, K439fs, K443fs, K459fs, K472fs, K475fs, K495fs.
Identifiers: ClinVar variation 3379238 (VCV003379238.5).

ClinVar aggregate classification (germline): Pathogenic/Likely pathogenic. Review status: criteria provided, multiple submitters, no conflicts (2 of 4 stars). 3 submissions from 3 submitters: Pathogenic (1); Likely pathogenic (2). Last evaluated 2025-07-04.

Conditions:
Mismatch repair cancer syndrome 4. Identifiers: MedGen C5436817, MONDO:0030843, OMIM 619101.
Lynch syndrome 4 (LYNCH4). Also called: Hereditary non-polyposis colorectal cancer, type 4; Colorectal cancer, hereditary nonpolyposis, type 4. Identifiers: Orphanet 144, MedGen C1838333, MONDO:0013699, OMIM 614337. Disease mechanism: loss of function.

Submissions (3):

Quest Diagnostics Nichols Institute San Juan Capistrano
Classification: Likely pathogenic. Last evaluated: 2025-07-04. Review status: criteria provided, single submitter. Criteria: Quest Diagnostics criteria. Collection method: clinical testing. Allele origin: unknown.
Comment: The PMS2 c.1882_1886dup (p.Lys630Glufs*2) variant alters the translational reading frame of the PMS2 mRNA and is predicted to cause the premature termination of PMS2 protein synthesis. This variant has not been reported in individuals with PMS2-related conditions in the published literature. This variant has not been reported in large, multi-ethnic general populations (Genome Aggregation Database). Based on the available information, this variant is classified as likely pathogenic.

Myriad Genetics, Inc.
Classification: Pathogenic for Lynch syndrome 4. Last evaluated: 2024-07-10. Review status: criteria provided, single submitter. Criteria: Myriad Autosomal Dominant, Autosomal Recessive and X-Linked Classification Criteria (2023). Collection method: clinical testing. Allele origin: unknown.
Comment: This variant is considered pathogenic. This variant creates a frameshift predicted to result in premature protein truncation.

Juno Genomics, Hangzhou Juno Genomics, Inc
Classification: Likely pathogenic for Lynch syndrome 4; Mismatch repair cancer syndrome 4. Review status: criteria provided, single submitter. Criteria: ACMG Guidelines, 2015. Collection method: clinical testing. Allele origin: germline.
Comment: Absent from controls (or at extremely low frequency if recessive) in Genome Aggregation Database.;Null variant in a gene where loss of function (LOF) is a known mechanism of disease.